The following is an entry in ClinVar:

ClinVar aggregate classification (germline): Conflicting classifications of pathogenicity. Review status: criteria provided, conflicting classifications (1 of 4 stars). 2 submissions from 2 submitters: Uncertain significance (1); Likely benign (1). Last evaluated 2026-02-13.

Conditions:
Hereditary cancer-predisposing syndrome. Also called: Neoplastic Syndromes, Hereditary; Tumor predisposition; Hereditary Cancer Syndrome; Hereditary neoplastic syndrome. Identifiers: Orphanet 140162, MedGen C0027672, MeSH D009386, MONDO:0015356.
Gastrointestinal stromal tumor. Also called: Gastrointestinal stromal tumor, somatic; Gastrointestinal stroma tumor. Identifiers: Orphanet 44890, MedGen C0238198, MeSH D046152, MONDO:0011719, OMIM 606764, HP:0100723.

Submissions (2):

Ambry Genetics
Classification: Likely benign for Hereditary cancer-predisposing syndrome. Last evaluated: 2026-02-13. Review status: criteria provided, single submitter. Criteria: Ambry Variant Classification Scheme 2023. Collection method: clinical testing. Allele origin: germline.

Labcorp Genetics (formerly Invitae), Labcorp
Classification: Uncertain significance for Gastrointestinal stromal tumor. Last evaluated: 2023-07-07. Review status: criteria provided, single submitter. Criteria: Invitae Variant Classification Sherloc (09022015). Collection method: clinical testing. Allele origin: germline.
Comment: This sequence change replaces threonine, which is neutral and polar, with serine, which is neutral and polar, at codon 99 of the PDGFRA protein (p.Thr99Ser). This variant is not present in population databases (gnomAD no frequency). This variant has not been reported in the literature in individuals affected with PDGFRA-related conditions. Advanced modeling of protein sequence and biophysical properties (such as structural, functional, and spatial information, amino acid conservation, physicochemical variation, residue mobility, and thermodynamic stability) performed at Invitae indicates that this missense variant is not expected to disrupt PDGFRA protein function. In summary, the available evidence is currently insufficient to determine the role of this variant in disease. Therefore, it has been classified as a Variant of Uncertain Significance.

NM_006206.6(PDGFRA):c.296C>G (p.Thr99Ser)

Gene: PDGFRA (platelet derived growth factor receptor alpha; plus strand). Cytogenetic location: 4q12.
Variant type: single nucleotide variant.
Coding change: c.296C>G on transcript NM_006206.6 (MANE Select); coding-DNA position 296, C replaced by G.
Protein change: p.Thr99Ser; replaces threonine 99 with serine.
Molecular consequence: missense variant.
Genome position (GRCh38, 1-based): chr4:54,261,341, C>G. VCF-style: chr4-54261341-C-G. GRCh37 (hg19) VCF-style: chr4-55127508-C-G.
Other names: c.296C>G, p.Thr99Ser (NM_001347827.2, NM_001347829.2); c.371C>G, p.Thr124Ser (NM_001347828.2); c.335C>G, p.Thr112Ser (NM_001347830.2); short protein forms T124S, T112S, T99S.
Identifiers: ClinVar variation 2737144 (VCV002737144.4), dbSNP rs2475423175, ClinGen allele CA356888836.